The following is an entry in ClinVar:

ClinVar aggregate classification (germline): Uncertain significance (1 of 4 stars; one submission).

Conditions:
Congenital heart disease (CHD). Identifiers: MedGen C0152021, MONDO:0005453. Disease mechanism: unknown.

Submission:

Embryology Laboratory, Victor Chang Cardiac Research Institute
Classification: Uncertain significance for Congenital heart disease. Review status: criteria provided, single submitter. Criteria: ACMG Guidelines, 2015. Collection method: research. Allele origin: inherited. Inheritance: Autosomal dominant inheritance. Affected: yes. Observed: 2 variant alleles.
Comment: The c.1202del (p.A402Qfs*13) variant is predicted to lead to a frameshift and premature protein truncation. It is observed in two individuals with congenital heart defects, and in their unaffected mother. Smad5 knock-out in animal models lead to congenital defects and embryonic lethality (PMID 10079226, 10677256, 10079220). SMAD5 is intolerant to LOF variants (pLI=1.0, LOEUF=0.17) on the gnomAD database. At time of submission, SMAD5 variants are not associated with congenital heart defects, therefore the clinical significance of this variant cannot be assessed.

NM_005903.7(SMAD5):c.1202del (p.Glu401fs)

Gene: SMAD5 (SMAD family member 5; plus strand). Cytogenetic location: 5q31.1.
Variant type: Deletion.
Coding change: c.1202del on transcript NM_005903.7 (MANE Select); coding-DNA position 1202, one base deleted (A; older notation c.1202delA).
Protein change: p.Glu401fs; shifts the reading frame from glutamic acid 401.
Molecular consequence: frameshift variant.
Genome position (GRCh38, 1-based): chr5:136,174,580, A deleted. VCF-style (leftmost placement, unchanged base first): chr5-136174579-GA-G. GRCh37 (hg19) VCF-style: chr5-135510268-GA-G.
Other names: c.1202del, p.Glu401fs (NM_001001419.3, NM_001001420.3); short protein forms E401fs.
Identifiers: ClinVar variation 3731293 (VCV003731293.1).